The following is an entry in ClinVar:

NM_003718.5(CDK13):c.1630C>T (p.Gln544Ter)

Gene: CDK13 (cyclin dependent kinase 13; plus strand). Cytogenetic location: 7p14.1.
Variant type: single nucleotide variant.
Coding change: c.1630C>T on transcript NM_003718.5 (MANE Select); coding-DNA position 1630, C replaced by T.
Protein change: p.Gln544Ter; replaces glutamine 544 with a stop codon.
Molecular consequence: nonsense.
Genome position (GRCh38, 1-based): chr7:39,988,017, C>T. VCF-style: chr7-39988017-C-T. GRCh37 (hg19) VCF-style: chr7-40027616-C-T.
Other names: NM_003718.5:c.1630C>T; c.1630C>T, p.Gln544Ter (NM_031267.4); short protein forms Q544*.
Identifiers: ClinVar variation 2500915 (VCV002500915.1), dbSNP rs1038941016, ClinGen allele CA157246640.

ClinVar aggregate classification (germline): Likely pathogenic (1 of 4 stars; one submission).

Conditions:
Congenital heart defects, dysmorphic facial features, and intellectual developmental disorder (CHDFIDD). Identifiers: Orphanet 646278, MedGen C4479246, MONDO:0044302, OMIM 617360.

Submission:

Broad Center for Mendelian Genomics, Broad Institute of MIT and Harvard
Classification: Likely pathogenic for Congenital heart defects, dysmorphic facial features, and intellectual developmental disorder. Last evaluated: 2023-05-02. Review status: criteria provided, single submitter. Criteria: ACMG Guidelines, 2015. Collection method: curation. Allele origin: germline. Inheritance: Autosomal dominant inheritance.
Comment: Trio exome analysis showed this variant to be de novo. The p.Gln544Ter variant in CDK13 has been previously reported in 2 unrelated individuals with congenital heart defects, dysmorphic facial features, and intellectual developmental disorder (PMID: 36599938, PMID: 31238879). The number of reported affected individuals with this variant is slightly greater than expected compared to non-affected individuals with this variant. This variant was found to be de novo in these 2 individuals with confirmed paternity and maternity (PMID: 36599938, PMID: 31238879). This variant was absent from large population studies. This nonsense variant leads to a premature termination codon at position 544, which is predicted to lead to a truncated or absent protein. Heterozygous loss of function of the CDK13 gene is strongly associated to autosomal dominant congenital heart defects, dysmorphic facial features, and intellectual developmental disorder. In summary, although additional studies are required to fully establish its clinical significance, this variant is likely pathogenic for autosomal dominant congenital heart defects, dysmorphic facial features, and intellectual developmental disorder. ACMG/AMP Criteria applied: PVS1_Strong, PM2_Supporting, PS2_Moderate (Richards 2015).